The following is an entry in ClinVar:

ClinVar aggregate classification (germline): Uncertain significance (1 of 4 stars; one submission).

gnomAD v4.1: 1 of 1,612,970 alleles (0.000062%); highest among the groups gnomAD compares: Non-Finnish European, 0.000085%; no homozygotes.

Submission:

Dasa
Classification: Uncertain significance. Last evaluated: 2025-05-27. Review status: criteria provided, single submitter. Criteria: DASA Assertion Criteria. Collection method: clinical testing. Allele origin: germline.
Comment: NM_001100913.3(PACS2):c.2359A>T (p.Thr787Ser) is a missense variant that results in the substitution of threonine with serine. This variant is rare in population databases. Computational prediction algorithms are consistent with a benign effect. The currently available literature and clinical evidence are not sufficient to establish a definitive association between this variant and the reported condition. Therefore, this variant is classified as a variant of uncertain significance.

NM_001100913.3(PACS2):c.2359A>T (p.Thr787Ser)

Gene: PACS2 (phosphofurin acidic cluster sorting protein 2; plus strand). Cytogenetic location: 14q32.33.
Variant type: single nucleotide variant.
Coding change: c.2359A>T on transcript NM_001100913.3 (MANE Select); coding-DNA position 2359, A replaced by T.
Protein change: p.Thr787Ser; replaces threonine 787 with serine.
Molecular consequence: missense variant.
Genome position (GRCh38, 1-based): chr14:105,392,722, A>T. VCF-style: chr14-105392722-A-T. GRCh37 (hg19) VCF-style: chr14-105859059-A-T.
Other names: c.2089A>T, p.Thr697Ser (NM_001243127.3); c.2314A>T, p.Thr772Ser (NM_015197.4); short protein forms T697S, T772S, T787S.
Identifiers: ClinVar variation 4885827 (VCV004885827.2).